The following is an entry in ClinVar:

NM_006031.6(PCNT):c.799G>A (p.Ala267Thr)

Gene: PCNT (pericentrin; plus strand). Cytogenetic location: 21q22.3.
Variant type: single nucleotide variant.
Coding change: c.799G>A on transcript NM_006031.6 (MANE Select); coding-DNA position 799, G replaced by A.
Protein change: p.Ala267Thr; replaces alanine 267 with threonine.
Molecular consequence: missense variant.
Genome position (GRCh38, 1-based): chr21:46,346,821, G>A. VCF-style: chr21-46346821-G-A. GRCh37 (hg19) VCF-style: chr21-47766735-G-A.
Other names: c.445G>A, p.Ala149Thr (NM_001315529.2); short protein forms A267T, A149T.
Identifiers: ClinVar variation 4985091 (VCV004985091.1).
Genomic context (GRCh38, chr21:46,346,821, plus strand): 5'-CTGGAGGCGCTGCGCCTGAGTCTGAGCAACATGCACACGGCGCAGCTGGAGCTGACACAG[G>A]CCAACCTCCAGAAGGAGAAGGAGACGGCATTGACGGAGCTGCGGGAGATGCTCAACAGCC-3'
Protein context (NP_006022.3, residues 257-277): MHTAQLELTQ[Ala267Thr]NLQKEKETAL

ClinVar aggregate classification (germline): Uncertain significance (1 of 4 stars; one submission).

Conditions:
PCNT-related disorder. Also called: PCNT-related condition.

Submission:

PreventionGenetics, part of Exact Sciences
Classification: Uncertain significance for PCNT-related condition. Last evaluated: 2026-06-11. Review status: criteria provided, single submitter. Criteria: ACMG Guidelines, 2015. Collection method: clinical testing. Allele origin: germline.
Comment: The PCNT c.799G>A variant is predicted to result in the amino acid substitution p.Ala267Thr. To our knowledge, this variant has not been reported in the literature. This variant is reported in 0.0092% of alleles in individuals of Latino descent in gnomAD. At this time, the clinical significance of this variant is uncertain due to the absence of conclusive functional and genetic evidence.